The following is an entry in ClinVar:

ClinVar aggregate classification (germline): Uncertain significance (0 of 4 stars; one submission).

Conditions:
JAK2-related disorder. Also called: JAK2-related condition.

Allele frequency attached by ClinVar (database versions not stated): gnomAD 0.00001; ExAC 0.00002; TOPMed 0.00002; gnomAD exomes 0.00004; ESP Exome Variant Server 0.00008.
gnomAD v4.1: 57 of 1,609,094 alleles (0.0035%); highest among the groups gnomAD compares: Non-Finnish European, 0.0044%; no homozygotes.

Submission:

PreventionGenetics, part of Exact Sciences
Classification: Uncertain significance for JAK2-related condition. Last evaluated: 2024-02-16. Review status: no assertion criteria provided. Collection method: clinical testing. Allele origin: germline.
Comment: The JAK2 c.364C>T variant is predicted to result in the amino acid substitution p.Arg122Cys. To our knowledge, this variant has not been reported in the literature. This variant is reported in 0.0093% of alleles in individuals of European (Finnish) descent in gnomAD. At this time, the clinical significance of this variant is uncertain due to the absence of conclusive functional and genetic evidence.

NM_004972.4(JAK2):c.364C>T (p.Arg122Cys)

Genes: INSL6 (insulin like 6; minus strand), JAK2 (Janus kinase 2; plus strand). Cytogenetic location: 9p24.1.
Variant type: single nucleotide variant.
Coding change: c.364C>T on transcript NM_004972.4 (MANE Select); coding-DNA position 364, C replaced by T.
Protein change: p.Arg122Cys; replaces arginine 122 with cysteine.
Molecular consequence: missense variant. On other transcripts: 5 prime UTR variant (3), non-coding transcript variant (2).
Genome position (GRCh38, 1-based): chr9:5,044,416, C>T. VCF-style: chr9-5044416-C-T. GRCh37 (hg19) VCF-style: chr9-5044416-C-T.
Other names: c.364C>T, p.Arg122Cys (NM_001322194.2, NM_001322195.2, NM_001322196.2); c.-757C>T (NM_001322198.2, NM_001322199.2); c.-84C>T (NM_001322204.2); short protein forms R122C.
Identifiers: ClinVar variation 3046234 (VCV003046234.2), dbSNP rs147483622, ClinGen allele CA4971568.
Genomic context (GRCh38, chr9:5,044,416, plus strand): 5'-TATTTGAACTATTTGGAAGCTGACCAAATGTTTTTATTATCTTGTAGATTTTACTTTCCT[C>T]GTTGGTATTGCAGTGGCAGCAACAGAGCCTATCGGCATGGAATATCTCGAGGTGCTGAAG-3'
Protein context (NP_004963.1, residues 112-132): VLYRIRFYFP[Arg122Cys]WYCSGSNRAY